The following is an entry in ClinVar:

NC_000011.10:g.62841606T>C

Genes: RNU2-2 (RNA, U2 small nuclear 2; minus strand), WDR74 (WD repeat domain 74; minus strand). Cytogenetic location: 11q12.3.
Variant type: single nucleotide variant.
Molecular consequence: 5 prime UTR variant (on NM_001369451.1).
Genome position: GRCh38 VCF-style: chr11-62841606-T-C. GRCh37 (hg19) VCF-style: chr11-62609078-T-C.
Other names: c.-335A>G (NM_001369451.1).
Identifiers: ClinVar variation 3905700 (VCV003905700.10).

ClinVar aggregate classification (germline): Likely benign (1 of 4 stars; one submission).

Submission:

CeGaT Center for Human Genetics Tuebingen
Classification: Likely benign. Last evaluated: 2025-05-01. Review status: criteria provided, single submitter. Criteria: CeGaT Center For Human Genetics Tuebingen Variant Classification Criteria Version 2. Collection method: clinical testing. Allele origin: germline. Affected: yes. Observed: 1 variant allele.
Comment: RNU2-2: BS1